The following is an entry in ClinVar:

ClinVar aggregate classification (germline): Benign. Review status: criteria provided, multiple submitters, no conflicts (2 of 4 stars). 2 submissions from 2 submitters: Benign (2). Last evaluated 2018-06-29.

Conditions:
Maple syrup urine disease (MSUD). Identifiers: Orphanet 511, MedGen C0024776, MeSH D008375, MONDO:0009563. Disease mechanism: loss of function.

Allele frequency attached by ClinVar (database versions not stated): 1000 Genomes Project 0.71565; 1000 Genomes Project 30x 0.71799; gnomAD 0.77656 and 0.78176; TOPMed 0.77905.

Submissions (2):

GeneDx
Classification: Benign. Last evaluated: 2018-06-29. Review status: criteria provided, single submitter. Criteria: GeneDx Variant Classification Process June 2021. Collection method: clinical testing. Allele origin: germline. Affected: yes.

Illumina Laboratory Services, Illumina
Classification: Benign for Maple syrup urine disease type 1A. Last evaluated: 2018-01-12. Review status: criteria provided, single submitter. Criteria: ICSL Variant Classification Criteria 13 December 2019. Collection method: clinical testing. Allele origin: germline.
Comment: This variant was observed in the ICSL laboratory as part of a predisposition screen in an ostensibly healthy population. It had not been previously curated by ICSL or reported in the Human Gene Mutation Database (HGMD: prior to June 1st, 2018), and was therefore a candidate for classification through an automated scoring system. Utilizing variant allele frequency, disease prevalence and penetrance estimates, and inheritance mode, an automated score was calculated to assess if this variant is too frequent to cause the disease. Based on the score and internal cut-off values, a variant classified as benign is not then subjected to further curation. The score for this variant resulted in a classification of benign for this disease.

NM_183050.4(BCKDHB):c.*2282C>T

Gene: BCKDHB (branched chain keto acid dehydrogenase E1 subunit beta; plus strand). Cytogenetic location: 6q14.1.
Variant type: single nucleotide variant.
Coding change: c.*2282C>T on transcript NM_183050.4 (MANE Select); 2282 bases downstream of the stop codon, C replaced by T.
Molecular consequence: 3 prime UTR variant. On other transcripts: non-coding transcript variant (1).
Genome position (GRCh38, 1-based): chr6:80,346,086, C>T. VCF-style: chr6-80346086-C-T. GRCh37 (hg19) VCF-style: chr6-81055803-C-T.
Other names: c.*120C>T (NM_000056.5); c.*2282C>T (NM_001318975.1).
Identifiers: ClinVar variation 358213 (VCV000358213.7), dbSNP rs10864, ClinGen allele CA10624851.
Genomic context (GRCh38, chr6:80,346,086, plus strand): 5'-TTTATATTTCCTCCGACTTACCTCTTTTTGAAAAGAGAGTTTTTATTAAGTGAACCATCA[C>T]GATATTGGCTGAAAAGTTCTACATTCTATTATTGTATTGTAACACACATGTATTGATGAT-3'